The following is an entry in ClinVar:

NM_002496.4(NDUFS8):c.502-3C>T

Gene: NDUFS8 (NADH:ubiquinone oxidoreductase core subunit S8; plus strand). Cytogenetic location: 11q13.2.
Variant type: single nucleotide variant.
Coding change: c.502-3C>T on transcript NM_002496.4 (MANE Select); 3 bases into the intron before coding-DNA position 502, C replaced by T.
Molecular consequence: intron variant.
Genome position (GRCh38, 1-based): chr11:68,036,459, C>T. VCF-style: chr11-68036459-C-T. GRCh37 (hg19) VCF-style: chr11-67803926-C-T.
Identifiers: ClinVar variation 2582077 (VCV002582077.1), dbSNP rs2495588179, ClinGen allele CA2582341878.

ClinVar aggregate classification (germline): Uncertain significance (1 of 4 stars; one submission).

Submission:

GeneDx
Classification: Uncertain significance. Last evaluated: 2023-03-28. Review status: criteria provided, single submitter. Criteria: GeneDx Variant Classification Process June 2021. Collection method: clinical testing. Allele origin: germline. Affected: yes.
Comment: Not observed at significant frequency in large population cohorts (gnomAD); In silico analysis supports that this variant does not alter splicing; Has not been previously published as pathogenic or benign to our knowledge